The following is an entry in ClinVar:

NM_007294.4(BRCA1):c.427G>A (p.Glu143Lys)

Gene: BRCA1 (BRCA1 DNA repair associated; minus strand). Cytogenetic location: 17q21.31.
Variant type: single nucleotide variant.
Coding change: c.427G>A on transcript NM_007294.4 (MANE Select); coding-DNA position 427, G replaced by A.
Protein change: p.Glu143Lys; replaces glutamic acid 143 with lysine.
Molecular consequence: missense variant. On other transcripts: non-coding transcript variant (1).
Genome position (GRCh38, 1-based): chr17:43,104,136, C>T on the plus strand (G>A on the coding strand, the complement: BRCA1 is on the minus strand). VCF-style: chr17-43104136-C-T. GRCh37 (hg19) VCF-style: chr17-41256153-C-T.
Other names: p.E143K:GAA>AAA; 546G>A; c.286G>A, p.Glu96Lys (NM_001408466.1, NM_001408467.1, NM_001408468.1 and 99 more transcripts); c.427G>A, p.Glu143Lys (NM_001408472.1, NM_001408473.1, NM_001408494.1 and 165 more transcripts); c.349G>A, p.Glu117Lys (NM_001408474.1, NM_001408475.1, NM_001408476.1 and 21 more transcripts); c.217G>A, p.Glu73Lys (NM_001408478.1, NM_001408479.1, NM_001408480.1 and 58 more transcripts); c.46G>A, p.Glu16Lys (NM_001408510.1, NM_001408512.1, NM_001407959.1 and 4 more transcripts); c.418G>A, p.Glu140Lys (NM_001407646.1, NM_001407647.1, NM_001408408.1); and 1 more; short protein forms E143K, E96K, E117K, E73K, E140K, E16K, E99K.
Identifiers: ClinVar variation 37580 (VCV000037580.45), dbSNP rs80356991, ClinGen allele CA002745.

ClinVar aggregate classification (germline): Benign. Review status: reviewed by expert panel (3 of 4 stars). 18 submissions from 18 submitters: Benign (1). 17 of the submissions do not count toward it. Last evaluated 2015-08-10.

Conditions:
Familial cancer of breast. Also called: Hereditary breast cancer; hereditary breast carcinoma; BREAST CANCER, FAMILIAL. Identifiers: Orphanet 227535, MedGen C0346153, MONDO:0016419, OMIM 114480. Disease mechanism: loss of function.
Breast-ovarian cancer, familial, susceptibility to, 1 (BROVCA1). Also called: OVARIAN CANCER, SUSCEPTIBILITY TO; BRCA1 Hereditary Breast and Ovarian Cancer. Identifiers: Orphanet 145, MedGen C2676676, MONDO:0011450, OMIM 604370. Disease mechanism: loss of function.
Fanconi anemia, complementation group S (FANCS). Identifiers: MedGen C4554406, MONDO:0054748, OMIM 617883.
BRCA1-related disorder. Also called: BRCA1-related condition.
Breast and/or ovarian cancer. Identifiers: MedGen CN221562.
Pancreatic cancer, susceptibility to, 4. Identifiers: Orphanet 1333, MedGen C3280442, MONDO:0013685, OMIM 614320.
Hereditary cancer-predisposing syndrome. Also called: Tumor predisposition; Neoplastic Syndromes, Hereditary; Hereditary Cancer Syndrome; Hereditary neoplastic syndrome. Identifiers: Orphanet 140162, MedGen C0027672, MeSH D009386, MONDO:0015356.
Hereditary breast ovarian cancer syndrome. Also called: Hereditary breast and ovarian cancer syndrome (HBOC); Hereditary breast and ovarian cancer syndrome; Hereditary breast and ovarian cancer; Hereditary breast and/or ovarian cancer syndrome; Breast and ovarian cancer; BRCA1- and BRCA2-Associated Hereditary Breast and Ovarian Cancer. Identifiers: Orphanet 145, MedGen C0677776, MeSH D061325, MONDO:0003582. Disease mechanism: loss of function.

Allele frequency attached by ClinVar (database versions not stated): gnomAD 0.00004; TOPMed 0.00004; gnomAD exomes 0.00008; ExAC 0.00010.
gnomAD v4.1: 108 of 1,613,230 alleles (0.0067%); highest among the groups gnomAD compares: East Asian, 0.025%; no homozygotes.

Submissions (18):

Evidence-based Network for the Interpretation of Germline Mutant Alleles (ENIGMA)
Classification: Benign for Breast-ovarian cancer, familial 1. Last evaluated: 2015-08-10. Review status: reviewed by expert panel. Criteria: ENIGMA BRCA1/2 Classification Criteria (2015). Collection method: curation. Allele origin: germline.
Comment: IARC class based on posterior probability from multifactorial likelihood analysis, thresholds for class as per Plon et al. 2008 (PMID: 18951446). Class 1 based on posterior probability = 0.0000109

Labcorp Genetics (formerly Invitae), Labcorp
Classification: Likely benign for Hereditary breast ovarian cancer syndrome. Last evaluated: 2026-02-03. Review status: criteria provided, single submitter. Criteria: Invitae Variant Classification Sherloc (09022015). Collection method: clinical testing. Allele origin: germline. Not counted in ClinVar's aggregate classification.

Women's Health and Genetics/Laboratory Corporation of America, LabCorp
Classification: Likely benign. Last evaluated: 2025-10-06. Review status: criteria provided, single submitter. Criteria: LabCorp Variant Classification Summary - May 2015. Collection method: clinical testing. Allele origin: germline. Not counted in ClinVar's aggregate classification.
Comment: Variant summary: BRCA1 c.427G>A (p.Glu143Lys) results in a conservative amino acid change in the encoded protein sequence. Algorithms developed to predict the effect of missense changes on protein structure and function are either unavailable or do not agree on the potential impact of this missense change. The variant allele was found at a frequency of 8.4e-05 in 251024 control chromosomes. This frequency is not significantly higher than estimated for disease-causing variants in BRCA1, allowing no conclusion about variant significance. c.427G>A has been reported in the literature in individuals affected with Hereditary Breast and Ovarian Cancer. These reports do not provide unequivocal conclusions about association of the variant with Hereditary Breast and Ovarian Cancer. The variant has been functionally evaluated and showed similar to wild-type activity in an HDR assay and intermediate activity in a less specific Single strand annealing (SSA) assay (Towler, 2013, Lu, 2015 and Starita, 2018). The HDR assay qualifies as a standardized gold-standard assay on the basis of the updated guidance provided by the ClinGen Sequence Variant Interpretation (SVI) Working Group (Brnich_2019). ClinGen SVI now recognizes benign functional evidence as sufficient for likely benign (Tavtigian_2018). The following publications have been ascertained in the context of this evaluation (PMID: 16267036, 15385441, 21990134, 17924331, 11698567, 23161852, 18936166, 26689913, 27300552, 30219179). ClinVar contains an entry for this variant (Variation ID: 37580). Based on the evidence outlined above, the variant was classified as likely benign.

Center for Genomic Medicine, Rigshospitalet, Copenhagen University Hospital
Classification: Benign. Last evaluated: 2025-03-04. Review status: criteria provided, single submitter. Criteria: ACMG Guidelines, 2015. Collection method: clinical testing. Allele origin: germline. Not counted in ClinVar's aggregate classification.

KCCC/NGS Laboratory, Kuwait Cancer Control Center
Classification: Benign for Breast-ovarian cancer, familial, susceptibility to, 1. Last evaluated: 2025-02-01. Review status: criteria provided, single submitter. Criteria: ACMG Guidelines, 2015. Collection method: clinical testing. Allele origin: germline. Affected: no. Not counted in ClinVar's aggregate classification.

CHEO Genetics Diagnostic Laboratory, Children's Hospital of Eastern Ontario
Classification: Likely benign for Breast and/or ovarian cancer. Last evaluated: 2022-07-20. Review status: criteria provided, single submitter. Criteria: ACMG Guidelines, 2015. Collection method: clinical testing. Allele origin: germline. Not counted in ClinVar's aggregate classification.

Department of Pathology and Laboratory Medicine, Sinai Health System
Classification: Likely benign for Familial cancer of breast; Breast-ovarian cancer, familial, susceptibility to, 1; Fanconi anemia, complementation group S. Last evaluated: 2022-06-29. Review status: criteria provided, single submitter. Criteria: ACMG Guidelines, 2015. Collection method: clinical testing. Allele origin: germline. Affected: yes. Not counted in ClinVar's aggregate classification.

Fulgent Genetics
Classification: Likely benign for Familial cancer of breast; Breast-ovarian cancer, familial, susceptibility to, 1; Pancreatic cancer, susceptibility to, 4; Fanconi anemia, complementation group S. Last evaluated: 2022-03-10. Review status: criteria provided, single submitter. Criteria: ACMG Guidelines, 2015. Collection method: clinical testing. Allele origin: unknown. Not counted in ClinVar's aggregate classification.

GeneDx
Classification: Likely benign. Last evaluated: 2021-02-09. Review status: criteria provided, single submitter. Criteria: GeneDx Variant Classification Process June 2021. Collection method: clinical testing. Allele origin: germline. Affected: yes. Not counted in ClinVar's aggregate classification.
Comment: In silico analysis, which includes protein predictors and evolutionary conservation, supports that this variant does not alter protein structure/function; This variant is associated with the following publications: (PMID: 11698567, 18936166, 21990134, 17924331, 25085752, 22753008, 24312913, 23161852, 16267036, 28408614, 26689913, 15385441, 30287823, 30219179, 30617304, 33087888)

ARUP Laboratories, Molecular Genetics and Genomics, ARUP Laboratories
Classification: Likely benign. Last evaluated: 2019-01-11. Review status: criteria provided, single submitter. Criteria: ARUP Molecular Germline Variant Investigation Process. Collection method: clinical testing. Allele origin: germline. Not counted in ClinVar's aggregate classification.

Laboratory for Molecular Medicine, Mass General Brigham Personalized Medicine
Classification: Uncertain significance. Last evaluated: 2016-06-23. Review status: criteria provided, single submitter. Criteria: LMM Criteria. Collection method: clinical testing. Allele origin: germline. Not counted in ClinVar's aggregate classification.
Comment: Variant identified in a genome or exome case(s) and assessed due to predicted null impact of the variant or pathogenic assertions in the literature or databases. Disclaimer: This variant has not undergone full assessment. The following are preliminary notes: ClinVar: 3 B/LB, including expert panel

Color Diagnostics, LLC DBA Color Health
Classification: Likely benign for Hereditary cancer-predisposing syndrome. Last evaluated: 2015-08-20. Review status: criteria provided, single submitter. Criteria: ACMG Guidelines, 2015. Collection method: clinical testing. Allele origin: germline. Not counted in ClinVar's aggregate classification.

Ambry Genetics
Classification: Benign for Hereditary cancer-predisposing syndrome. Last evaluated: 2014-11-18. Review status: criteria provided, single submitter. Criteria: Ambry Variant Classification Scheme 2023. Collection method: clinical testing. Allele origin: germline. Not counted in ClinVar's aggregate classification.

PreventionGenetics, part of Exact Sciences
Classification: Likely benign for BRCA1-related condition. Last evaluated: 2024-03-09. Review status: no assertion criteria provided. Collection method: clinical testing. Allele origin: germline. Not counted in ClinVar's aggregate classification.
Comment: This variant is classified as likely benign based on ACMG/AMP sequence variant interpretation guidelines (Richards et al. 2015 PMID: 25741868, with internal and published modifications).

Counsyl
Classification: Benign for Breast-ovarian cancer, familial, susceptibility to, 1. Last evaluated: 2018-05-14. Review status: no assertion criteria provided. Collection method: clinical testing. Allele origin: unknown. Not counted in ClinVar's aggregate classification.

Sharing Clinical Reports Project (SCRP)
Classification: Uncertain significance for Breast-ovarian cancer, familial 1. Last evaluated: 2010-11-01. Review status: no assertion criteria provided. Collection method: clinical testing. Allele origin: germline. Not counted in ClinVar's aggregate classification.

Breast Cancer Information Core (BIC) (BRCA1)
Classification: Uncertain significance for Breast-ovarian cancer, familial 1. Last evaluated: 2004-02-20. Review status: no assertion criteria provided. Collection method: clinical testing. Allele origin: germline. Affected: yes. Observed: 6 variant alleles. Not counted in ClinVar's aggregate classification.

Center for Precision Medicine, Meizhou People's Hospital
Classification: Uncertain significance for Familial cancer of breast. Review status: no assertion criteria provided. Collection method: literature only. Allele origin: germline. Affected: yes. Not counted in ClinVar's aggregate classification.

Literature cited by the submitters: PubMed 21990134 (cited by 4 submitters); PubMed 16267036 (cited by Women's Health and Genetics/Laboratory Corporation of America, LabCorp and Counsyl); PubMed 15385441 (cited by Women's Health and Genetics/Laboratory Corporation of America, LabCorp); PubMed 17924331 (cited by 3 submitters); PubMed 11698567 (cited by Women's Health and Genetics/Laboratory Corporation of America, LabCorp); PubMed 23161852 (cited by 3 submitters); PubMed 18936166 (cited by Women's Health and Genetics/Laboratory Corporation of America, LabCorp and Counsyl); PubMed 26689913 (cited by Women's Health and Genetics/Laboratory Corporation of America, LabCorp and Counsyl); PubMed 27300552 (cited by Women's Health and Genetics/Laboratory Corporation of America, LabCorp); PubMed 30219179 (cited by Women's Health and Genetics/Laboratory Corporation of America, LabCorp); PubMed 30287823 (cited by Department of Pathology and Laboratory Medicine, Sinai Health System and Center for Precision Medicine, Meizhou People's Hospital); PubMed 33471991 (cited by Department of Pathology and Laboratory Medicine, Sinai Health System).